The following is an entry in ClinVar:

ClinVar aggregate classification (germline): Uncertain significance (1 of 4 stars; one submission).

Conditions:
Nemaline myopathy 2 (NEM2). Also called: Nemaline myopathy 2, autosomal recessive. Identifiers: MedGen C1850569, MONDO:0009725, OMIM 256030.

Allele frequency attached by ClinVar (database versions not stated): TOPMed below 0.00001; gnomAD exomes 0.00001.
gnomAD v4.1: 17 of 1,613,960 alleles (0.0011%); highest among the groups gnomAD compares: Non-Finnish European, 0.0014%; no homozygotes.

Submission:

Labcorp Genetics (formerly Invitae), Labcorp
Classification: Uncertain significance for Nemaline myopathy 2. Last evaluated: 2022-06-25. Review status: criteria provided, single submitter. Criteria: Invitae Variant Classification Sherloc (09022015). Collection method: clinical testing. Allele origin: germline.
Comment: This sequence change replaces tyrosine, which is neutral and polar, with cysteine, which is neutral and slightly polar, at codon 2870 of the NEB protein (p.Tyr2870Cys). This variant is not present in population databases (gnomAD no frequency). This variant has not been reported in the literature in individuals affected with NEB-related conditions. Algorithms developed to predict the effect of missense changes on protein structure and function are either unavailable or do not agree on the potential impact of this missense change (SIFT: "Deleterious"; PolyPhen-2: "Not Available"; Align-GVGD: "Class C0"). In summary, the available evidence is currently insufficient to determine the role of this variant in disease. Therefore, it has been classified as a Variant of Uncertain Significance.

NM_001164508.2(NEB):c.8609A>G (p.Tyr2870Cys)

Gene: NEB (nebulin; minus strand). Cytogenetic location: 2q23.3.
Variant type: single nucleotide variant.
Coding change: c.8609A>G on transcript NM_001164508.2 (MANE Select); coding-DNA position 8609, A replaced by G.
Protein change: p.Tyr2870Cys; replaces tyrosine 2870 with cysteine.
Molecular consequence: missense variant.
Genome position (GRCh38, 1-based): chr2:151,640,431, T>C on the plus strand (A>G on the coding strand, the complement: NEB is on the minus strand). VCF-style: chr2-151640431-T-C. GRCh37 (hg19) VCF-style: chr2-152496945-T-C.
Other names: c.8609A>G, p.Tyr2870Cys (NM_001164507.2, NM_001271208.2, NM_004543.5); short protein forms Y2870C.
Identifiers: ClinVar variation 2149998 (VCV002149998.2), dbSNP rs2098832702, ClinGen allele CA348809927.